The following is an entry in ClinVar:

NM_000478.6(ALPL):c.1017dup (p.His340fs)

Gene: ALPL (alkaline phosphatase, biomineralization associated; plus strand). Cytogenetic location: 1p36.12.
Variant type: Duplication.
Coding change: c.1017dup on transcript NM_000478.6 (MANE Select); coding-DNA position 1017, one base duplicated (G; older notation c.1017dupG).
Protein change: p.His340fs; shifts the reading frame from histidine 340.
Molecular consequence: frameshift variant.
Genome position (GRCh38, 1-based): chr1:21,575,752, G duplicated; the last of 3 consecutive G bases (chr1:21,575,750-21,575,752); duplicating any one gives the same sequence. VCF-style (leftmost placement, unchanged base first): chr1-21575749-C-CG. GRCh37 (hg19) VCF-style: chr1-21902242-C-CG.
Other names: c.852dup, p.His285fs (NM_001127501.4); c.786dup, p.His263fs (NM_001177520.3); c.1017dup, p.His340fs (NM_001369803.2, NM_001369804.2, NM_001369805.2); c.1017dupG (NM_000478.6); short protein forms H340fs, H263fs, H285fs.
Identifiers: ClinVar variation 554623 (VCV000554623.18), dbSNP rs764908423, ClinGen allele CA666721.

ClinVar aggregate classification (germline): Pathogenic. Review status: criteria provided, multiple submitters, no conflicts (2 of 4 stars). 7 submissions from 7 submitters: Pathogenic (5). 2 of the submissions do not count toward it. Last evaluated 2026-01-22.

Conditions:
Adult hypophosphatasia. Identifiers: Orphanet 247676, Orphanet 436, MedGen C0268413, MONDO:1010154, OMIM 146300, MONDO:0007798.
Childhood hypophosphatasia. Identifiers: Orphanet 247667, Orphanet 436, MedGen C0220743, MONDO:1010168, OMIM 241510, MONDO:0009428.
Infantile hypophosphatasia. Identifiers: Orphanet 247651, Orphanet 436, MedGen C0268412, MONDO:1010169, OMIM 241500, MONDO:0009427.
Hypophosphatasia. Also called: Phosphoethanol-aminuria. Identifiers: Orphanet 436, MedGen C0020630, MeSH D007014, MONDO:0018570.

Submissions (7):

Labcorp Genetics (formerly Invitae), Labcorp
Classification: Pathogenic. Last evaluated: 2026-01-22. Review status: criteria provided, single submitter. Criteria: Invitae Variant Classification Sherloc (09022015). Collection method: clinical testing. Allele origin: germline.
Comment: This sequence change creates a premature translational stop signal (p.His340Alafs*3) in the ALPL gene. It is expected to result in an absent or disrupted protein product. Loss-of-function variants in ALPL are known to be pathogenic (PMID: 3174660, 10679946, 32973344, 33814268). This variant is present in population databases (rs764908423, gnomAD 0.006%). This premature translational stop signal has been observed in individual(s) with autosomal recessive hypophosphatasia (PMID: 31760938). ClinVar contains an entry for this variant (Variation ID: 554623). For these reasons, this variant has been classified as Pathogenic.

Genomenon, Inc
Classification: Pathogenic for Hypophosphatasia. Last evaluated: 2025-08-29. Review status: criteria provided, single submitter. Criteria: Genomenon Sequence Variant Interpretation Standards. Collection method: curation. Allele origin: germline. Affected: yes.
Comment: ALPL p.His340AlafsTer3 (c.1017dup) is a frameshift variant that results in the production of a truncated protein which is predicted to undergo nonsense-mediated mRNA decay. This variant has been observed in at least one proband affected with hypophosphatasia (PMID:31760938;34164522). At least one functional study has demonstrated a substantial alteration in protein function relative to the wild-type (PMID:34164522). It is absent or not present at a significant frequency in gnomAD. In conclusion, we classify ALPL p.His340AlafsTer3 (c.1017dup) as a pathogenic variant.

Fulgent Genetics
Classification: Pathogenic for Adult hypophosphatasia; Infantile hypophosphatasia; Childhood hypophosphatasia. Last evaluated: 2024-06-07. Review status: criteria provided, single submitter. Criteria: ACMG Guidelines, 2015. Collection method: clinical testing. Allele origin: germline.

Baylor Genetics
Classification: Pathogenic for Adult hypophosphatasia. Last evaluated: 2023-10-18. Review status: criteria provided, single submitter. Criteria: ACMG Guidelines, 2015. Collection method: clinical testing. Allele origin: unknown.

Juno Genomics, Hangzhou Juno Genomics, Inc
Classification: Pathogenic for Adult hypophosphatasia; Childhood hypophosphatasia; Infantile hypophosphatasia. Review status: criteria provided, single submitter. Criteria: ACMG Guidelines, 2015. Collection method: clinical testing. Allele origin: germline. Affected: yes.
Comment: Absent from controls (or at extremely low frequency if recessive) in Genome Aggregation Database, Exome Sequencing Project, 1000 Genomes Project, or Exome Aggregation Consortium.;Null variant in a gene where loss of function (LOF) is a known mechanism of disease.;For recessive disorders, detected in trans with a pathogenic variant.;Patient's phenotype or family history is highly specific for a disease with a single genetic etiology.

Natera, Inc.
Classification: Pathogenic for Hypophosphatasia. Last evaluated: 2020-09-16. Review status: no assertion criteria provided. Collection method: clinical testing. Allele origin: germline. Not counted in ClinVar's aggregate classification.

Counsyl
Classification: Likely pathogenic for Infantile hypophosphatasia. Last evaluated: 2017-10-27. Review status: no assertion criteria provided. Collection method: clinical testing. Allele origin: unknown. Not counted in ClinVar's aggregate classification.

Literature cited by the submitters: PubMed 3174660 (cited by Labcorp Genetics (formerly Invitae), Labcorp); PubMed 10679946 (cited by Labcorp Genetics (formerly Invitae), Labcorp); PubMed 32973344 (cited by Labcorp Genetics (formerly Invitae), Labcorp); PubMed 33814268 (cited by Labcorp Genetics (formerly Invitae), Labcorp); PubMed 31760938 (cited by Labcorp Genetics (formerly Invitae), Labcorp and Genomenon, Inc); PubMed 34164522 (cited by Genomenon, Inc).